The following is an entry in ClinVar:

ClinVar aggregate classification (germline): Uncertain significance (1 of 4 stars; one submission).

Submission:

Women's Health and Genetics/Laboratory Corporation of America, LabCorp
Classification: Uncertain significance. Last evaluated: 2022-07-28. Review status: criteria provided, single submitter. Criteria: LabCorp Variant Classification Summary - May 2015. Collection method: clinical testing. Allele origin: germline.
Comment: Variant summary: COL1A2 c.2462_2464delCTC (p.Pro821del) results in an in-frame deletion that is predicted to remove one amino acid from the encoded protein. The variant was absent in 251452 control chromosomes. The available data on variant occurrences in the general population are insufficient to allow any conclusion about variant significance. To our knowledge, no occurrence of c.2462_2464delCTC in individuals affected with Ehlers-Danlos Syndrome and no experimental evidence demonstrating its impact on protein function have been reported. No clinical diagnostic laboratories have submitted clinical-significance assessments for this variant to ClinVar after 2014. Based on the evidence outlined above, the variant was classified as uncertain significance.

NM_000089.4(COL1A2):c.2462_2464del (p.Pro821del)

Gene: COL1A2 (collagen type I alpha 2 chain; plus strand). Cytogenetic location: 7q21.3.
Variant type: Deletion.
Coding change: c.2462_2464del on transcript NM_000089.4 (MANE Select); coding-DNA positions 2462 to 2464, 3 bases deleted (CTC; older notation c.2462_2464delCTC).
Protein change: p.Pro821del; deletes proline 821.
Molecular consequence: inframe deletion.
Genome position (GRCh38, 1-based): chr7:94,423,015-94,423,017, CTC deleted; deleting any 3 consecutive bases within chr7:94,423,013-94,423,017 gives the same sequence; the c. name uses the placement nearest the transcript's 3' end. VCF-style (leftmost placement, unchanged base first): chr7-94423012-GTCC-G. GRCh37 (hg19) VCF-style: chr7-94052324-GTCC-G.
Other names: short protein forms P821del.
Identifiers: ClinVar variation 1704636 (VCV001704636.1), dbSNP rs2484729452, ClinGen allele CA2580077901.